The following is an entry in ClinVar:

ClinVar aggregate classification (germline): Likely pathogenic (0 of 4 stars; one submission).

Conditions:
BCOR-related disorder. Also called: BCOR-related condition; BCOR-related disorders.

Submission:

PreventionGenetics, part of Exact Sciences
Classification: Likely pathogenic for BCOR-related condition. Last evaluated: 2024-07-18. Review status: no assertion criteria provided. Collection method: clinical testing. Allele origin: germline.
Comment: The BCOR c.3746-1G>C variant is predicted to disrupt the AG splice acceptor site and interfere with normal splicing. This variant was reported in an individual with oculofaciocardiodental syndrome (Reported as c.3848-1G>C in Hilton et al. 2009. PubMed ID: 19367324). This variant has not been reported in a large population database, indicating this variant is rare. Variants that disrupt the consensus splice acceptor site in BCOR are expected to be pathogenic. This variant is interpreted as likely pathogenic.

NM_001123385.2(BCOR):c.3848-1G>C

Gene: BCOR (BCL6 corepressor; minus strand). Cytogenetic location: Xp11.4.
Variant type: single nucleotide variant.
Coding change: c.3848-1G>C on transcript NM_001123385.2 (MANE Select); the canonical splice acceptor site of the intron before coding-DNA position 3848, G replaced by C.
Molecular consequence: splice acceptor variant.
Genome position (GRCh38, 1-based): chrX:40,063,072, C>G on the plus strand (G>C on the coding strand, the complement: BCOR is on the minus strand). VCF-style: chrX-40063072-C-G. GRCh37 (hg19) VCF-style: chrX-39922325-C-G.
Other names: c.3692-1G>C (NM_001123384.2); c.3794-1G>C (NM_001438207.1); c.3746-1G>C (NM_001123383.2, NM_001438208.1, NM_017745.6); c.3848-1G>C (NM_001437510.1, NM_001437511.1).
Identifiers: ClinVar variation 3354684 (VCV003354684.1).